The following is an entry in ClinVar:

NM_000179.3(MSH6):c.3057_3060del (p.Ile1019fs)

Gene: MSH6 (mutS homolog 6; plus strand). Cytogenetic location: 2p16.3.
Variant type: Deletion.
Coding change: c.3057_3060del on transcript NM_000179.3 (MANE Select); coding-DNA positions 3057 to 3060, 4 bases deleted (AAAT; older notation c.3057_3060delAAAT).
Protein change: p.Ile1019fs; shifts the reading frame from isoleucine 1019.
Molecular consequence: frameshift variant. On other transcripts: non-coding transcript variant (5), intron variant (2).
Genome position (GRCh38, 1-based): chr2:47,801,040-47,801,043, AAAT deleted; deleting any 4 consecutive bases within chr2:47,801,038-47,801,043 gives the same sequence; the c. name uses the placement nearest the transcript's 3' end. VCF-style (leftmost placement, unchanged base first): chr2-47801037-CATAA-C. GRCh37 (hg19) VCF-style: chr2-48028176-CATAA-C.
Other names: c.2667_2670del, p.Ile889fs (NM_001281492.2); c.2151_2154del, p.Ile717fs (NM_001281493.2, NM_001281494.2, NM_001406811.1 and 6 more transcripts); c.3153_3156del, p.Ile1051fs (NM_001406795.1, NM_001406802.1); c.3057_3060del, p.Ile1019fs (NM_001406796.1, NM_001406798.1, NM_001406800.1 and 2 more transcripts); c.2760_2763del, p.Ile920fs (NM_001406797.1, NM_001406801.1, NM_001406805.1 and 10 more transcripts); c.2532_2535del, p.Ile844fs (NM_001406799.1, NM_001406806.1, NM_001406807.1); c.2979_2982del, p.Ile993fs (NM_001406804.1); c.3063_3066del, p.Ile1021fs (NM_001406813.1); and 4 more; short protein forms I1019fs, I1021fs, I1051fs, I334fs, I717fs, I844fs, I889fs, I920fs.
Identifiers: ClinVar variation 2673612 (VCV002673612.1), dbSNP rs2530710502, ClinGen allele CA2695200617.
Genomic context (GRCh38, chr2:47,801,037, plus strand): 5'-TACCAAGAAGGGCTGTAAACGATACTGGACCAAAACTATTGAAAAGAAGTTGGCTAATCT[CATAA>C]ATGCTGAAGAACGGAGGGATGTATCATTGAAGGACTGCATGCGGCGACTGTTCTATAACT-3'

ClinVar aggregate classification (germline): Pathogenic (1 of 4 stars; one submission).

Conditions:
Lynch syndrome 5 (LYNCH5). Also called: Colorectal cancer, hereditary nonpolyposis, type 5; Hereditary non-polyposis colorectal cancer, type 5. Identifiers: Orphanet 144, MedGen C1833477, MONDO:0013710, OMIM 614350. Disease mechanism: loss of function.

Submission:

Myriad Genetics, Inc.
Classification: Pathogenic for Lynch syndrome 5. Last evaluated: 2023-08-22. Review status: criteria provided, single submitter. Criteria: Myriad Autosomal Dominant, Autosomal Recessive and X-Linked Classification Criteria (2023). Collection method: clinical testing. Allele origin: unknown.
Comment: This variant is considered pathogenic. This variant creates a frameshift predicted to result in premature protein truncation.